The following is an entry in ClinVar:

NM_000165.5(GJA1):c.746C>T (p.Ala249Val)

Gene: GJA1 (gap junction protein alpha 1; plus strand). Cytogenetic location: 6q22.31.
Variant type: single nucleotide variant.
Coding change: c.746C>T on transcript NM_000165.5 (MANE Select); coding-DNA position 746, C replaced by T.
Protein change: p.Ala249Val; replaces alanine 249 with valine.
Molecular consequence: missense variant.
Genome position (GRCh38, 1-based): chr6:121,447,593, C>T. VCF-style: chr6-121447593-C-T. GRCh37 (hg19) VCF-style: chr6-121768739-C-T.
Other names: short protein forms A249V.
Identifiers: ClinVar variation 2735522 (VCV002735522.3), dbSNP rs192870757, ClinGen allele CA3981741.
Genomic context (GRCh38, chr6:121,447,593, plus strand): 5'-TCTATGTTTTCTTCAAGGGCGTTAAGGATCGGGTTAAGGGAAAGAGCGACCCTTACCATG[C>T]GACCAGTGGTGCGCTGAGCCCTGCCAAAGACTGTGGGTCTCAAAAATATGCTTATTTCAA-3'
Protein context (NP_000156.1, residues 239-259): RVKGKSDPYH[Ala249Val]TSGALSPAKD

ClinVar aggregate classification (germline): Uncertain significance (1 of 4 stars; one submission).

Conditions:
Oculodentodigital dysplasia, autosomal recessive. Also called: OCULODENTOOSSEOUS DYSPLASIA, AUTOSOMAL RECESSIVE; ODDD, AUTOSOMAL RECESSIVE; ODOD, AUTOSOMAL RECESSIVE. Identifiers: Orphanet 2710, MedGen C2749477, MONDO:0009768, OMIM 257850.

Allele frequency attached by ClinVar (database versions not stated): gnomAD 0.00002; gnomAD exomes 0.00002; TOPMed 0.00002; ExAC 0.00004; 1000 Genomes Project 30x 0.00016; 1000 Genomes Project 0.00020.
gnomAD v4.1: 30 of 1,613,562 alleles (0.0019%); highest among the groups gnomAD compares: Non-Finnish European, 0.0023%; no homozygotes.

Submission:

Labcorp Genetics (formerly Invitae), Labcorp
Classification: Uncertain significance for Oculodentodigital dysplasia, autosomal recessive. Last evaluated: 2024-11-11. Review status: criteria provided, single submitter. Criteria: Invitae Variant Classification Sherloc (09022015). Collection method: clinical testing. Allele origin: germline.
Comment: This sequence change replaces alanine, which is neutral and non-polar, with valine, which is neutral and non-polar, at codon 249 of the GJA1 protein (p.Ala249Val). This variant is present in population databases (rs192870757, gnomAD 0.004%). This variant has not been reported in the literature in individuals affected with GJA1-related conditions. ClinVar contains an entry for this variant (Variation ID: 2735522). Invitae Evidence Modeling of protein sequence and biophysical properties (such as structural, functional, and spatial information, amino acid conservation, physicochemical variation, residue mobility, and thermodynamic stability) has been performed for this missense variant. However, the output from this modeling did not meet the statistical confidence thresholds required to predict the impact of this variant on GJA1 protein function. In summary, the available evidence is currently insufficient to determine the role of this variant in disease. Therefore, it has been classified as a Variant of Uncertain Significance.